The following is an entry in ClinVar:

ClinVar aggregate classification (germline): Pathogenic (1 of 4 stars; one submission).

Conditions:
Familial cancer of breast. Also called: Hereditary breast cancer; BREAST CANCER, FAMILIAL; hereditary breast carcinoma. Identifiers: Orphanet 227535, MedGen C0346153, MONDO:0016419, OMIM 114480. Disease mechanism: loss of function.

Submission:

Myriad Genetics, Inc.
Classification: Pathogenic for Familial cancer of breast. Last evaluated: 2023-09-12. Review status: criteria provided, single submitter. Criteria: Myriad Autosomal Dominant, Autosomal Recessive and X-Linked Classification Criteria (2023). Collection method: clinical testing. Allele origin: unknown.
Comment: This variant is considered pathogenic. This variant creates a frameshift predicted to result in premature protein truncation.

NM_024675.4(PALB2):c.2305del (p.Ala770fs)

Gene: PALB2 (partner and localizer of BRCA2; minus strand). Cytogenetic location: 16p12.2.
Variant type: Deletion.
Coding change: c.2305del on transcript NM_024675.4 (MANE Select); coding-DNA position 2305, one base deleted (C; older notation c.2305delC).
Protein change: p.Ala770fs; shifts the reading frame from alanine 770.
Molecular consequence: frameshift variant. On other transcripts: intron variant (1).
Genome position (GRCh38, 1-based): chr16:23,629,849, G deleted on the plus strand (C on the coding strand, the reverse complement: PALB2 is on the minus strand). VCF-style (leftmost placement, unchanged base first): chr16-23629848-AG-A. GRCh37 (hg19) VCF-style: chr16-23641169-AG-A.
Other names: c.2245del, p.Ala750fs (NM_001407296.1); c.2305del, p.Ala770fs (NM_001407297.1, NM_001407298.1, NM_001407299.1 and 3 more transcripts); c.1420del, p.Ala475fs (NM_001407304.1, NM_001407305.1, NM_001407306.1 and 5 more transcripts); c.517del, p.Ala174fs (NM_001407312.1, NM_001407313.1); c.49-574del (NM_001407314.1); short protein forms A174fs, A475fs, A750fs, A770fs.
Identifiers: ClinVar variation 2674115 (VCV002674115.1), dbSNP rs2506412078, ClinGen allele CA2695197479.